The following is an entry in ClinVar:

NM_004733.4(SLC33A1):c.131G>T (p.Gly44Val)

Gene: SLC33A1 (solute carrier family 33 member 1; minus strand). Cytogenetic location: 3q25.31.
Variant type: single nucleotide variant.
Coding change: c.131G>T on transcript NM_004733.4 (MANE Select); coding-DNA position 131, G replaced by T.
Protein change: p.Gly44Val; replaces glycine 44 with valine.
Molecular consequence: missense variant.
Genome position (GRCh38, 1-based): chr3:155,853,867, C>A on the plus strand (G>T on the coding strand, the complement: SLC33A1 is on the minus strand). VCF-style: chr3-155853867-C-A. GRCh37 (hg19) VCF-style: chr3-155571656-C-A.
Other names: c.131G>T, p.Gly44Val (NM_001190992.2, NM_001363883.1); short protein forms G44V.
Identifiers: ClinVar variation 343884 (VCV000343884.7), dbSNP rs780400607, ClinGen allele CA2677452.

ClinVar aggregate classification (germline): Uncertain significance. Review status: criteria provided, multiple submitters, no conflicts (2 of 4 stars). 2 submissions from 2 submitters: Uncertain significance (2). Last evaluated 2024-11-15.

Conditions:
Spastic paraplegia. Identifiers: MedGen C0037772, HP:0001258.
Inborn genetic diseases. Identifiers: MedGen C0950123, MeSH D030342.

Allele frequency attached by ClinVar (database versions not stated): gnomAD 0.00001 and 0.00002; ExAC 0.00002; gnomAD exomes 0.00002 and 0.00005; TOPMed 0.00002.
gnomAD v4.1: 74 of 1,577,046 alleles (0.0047%); highest among the groups gnomAD compares: Non-Finnish European, 0.0059%; no homozygotes.

Submissions (2):

Ambry Genetics
Classification: Uncertain significance for Inborn genetic diseases. Last evaluated: 2024-11-15. Review status: criteria provided, single submitter. Criteria: Ambry Variant Classification Scheme 2023. Collection method: clinical testing. Allele origin: germline.

Labcorp Genetics (formerly Invitae), Labcorp
Classification: Uncertain significance for Spastic paraplegia. Last evaluated: 2021-09-01. Review status: criteria provided, single submitter. Criteria: Invitae Variant Classification Sherloc (09022015). Collection method: clinical testing. Allele origin: germline.
Comment: This sequence change replaces glycine with valine at codon 44 of the SLC33A1 protein (p.Gly44Val). The glycine residue is moderately conserved and there is a moderate physicochemical difference between glycine and valine. This variant is present in population databases (rs780400607, ExAC 0.003%). This variant has not been reported in the literature in individuals affected with SLC33A1-related conditions. ClinVar contains an entry for this variant (Variation ID: 343884). Algorithms developed to predict the effect of missense changes on protein structure and function (SIFT, PolyPhen-2, Align-GVGD) all suggest that this variant is likely to be tolerated. In summary, the available evidence is currently insufficient to determine the role of this variant in disease. Therefore, it has been classified as a Variant of Uncertain Significance.